The following is an entry in ClinVar:

NM_001126108.2(SLC12A3):c.1969G>A (p.Ala657Thr)

Gene: SLC12A3 (solute carrier family 12 member 3; plus strand). Cytogenetic location: 16q13.
Variant type: single nucleotide variant.
Coding change: c.1969G>A on transcript NM_001126108.2 (MANE Select); coding-DNA position 1969, G replaced by A.
Protein change: p.Ala657Thr; replaces alanine 657 with threonine.
Molecular consequence: missense variant.
Genome position (GRCh38, 1-based): chr16:56,886,407, G>A. VCF-style: chr16-56886407-G-A. GRCh37 (hg19) VCF-style: chr16-56920319-G-A.
Other names: c.1969G>A, p.Ala657Thr (NM_000339.3); c.1966G>A, p.Ala656Thr (NM_001126107.2); short protein forms A657T, A656T.
Identifiers: ClinVar variation 1434209 (VCV001434209.5), dbSNP rs763175269, ClinGen allele CA8069677.

ClinVar aggregate classification (germline): Uncertain significance (1 of 4 stars; one submission).

Allele frequency attached by ClinVar (database versions not stated): TOPMed below 0.00001; gnomAD exomes 0.00001 and 0.00002; ExAC 0.00004.

Submission:

Labcorp Genetics (formerly Invitae), Labcorp
Classification: Uncertain significance. Last evaluated: 2022-03-22. Review status: criteria provided, single submitter. Criteria: Invitae Variant Classification Sherloc (09022015). Collection method: clinical testing. Allele origin: germline.
Comment: This sequence change replaces alanine, which is neutral and non-polar, with threonine, which is neutral and polar, at codon 657 of the SLC12A3 protein (p.Ala657Thr). This variant is present in population databases (rs763175269, gnomAD 0.01%). This variant has not been reported in the literature in individuals affected with SLC12A3-related conditions. Algorithms developed to predict the effect of missense changes on protein structure and function are either unavailable or do not agree on the potential impact of this missense change (SIFT: "Tolerated"; PolyPhen-2: "Probably Damaging"; Align-GVGD: "Class C0"). In summary, the available evidence is currently insufficient to determine the role of this variant in disease. Therefore, it has been classified as a Variant of Uncertain Significance.